The following is an entry in ClinVar:

ClinVar aggregate classification (germline): Uncertain significance (1 of 4 stars; one submission).

Submission:

Labcorp Genetics (formerly Invitae), Labcorp
Classification: Uncertain significance. Last evaluated: 2024-10-15. Review status: criteria provided, single submitter. Criteria: Invitae Variant Classification Sherloc (09022015). Collection method: clinical testing. Allele origin: germline.
Comment: This sequence change replaces methionine, which is neutral and non-polar, with leucine, which is neutral and non-polar, at codon 1400 of the LRP5 protein (p.Met1400Leu). This variant is not present in population databases (gnomAD no frequency). This variant has not been reported in the literature in individuals affected with LRP5-related conditions. ClinVar contains an entry for this variant (Variation ID: 2009503). Invitae Evidence Modeling of protein sequence and biophysical properties (such as structural, functional, and spatial information, amino acid conservation, physicochemical variation, residue mobility, and thermodynamic stability) indicates that this missense variant is not expected to disrupt LRP5 protein function with a negative predictive value of 95%. In summary, the available evidence is currently insufficient to determine the role of this variant in disease. Therefore, it has been classified as a Variant of Uncertain Significance.

NM_002335.4(LRP5):c.4198A>T (p.Met1400Leu)

Gene: LRP5 (LDL receptor related protein 5; plus strand). Cytogenetic location: 11q13.2.
Variant type: single nucleotide variant.
Coding change: c.4198A>T on transcript NM_002335.4 (MANE Select); coding-DNA position 4198, A replaced by T.
Protein change: p.Met1400Leu; replaces methionine 1400 with leucine.
Molecular consequence: missense variant.
Genome position (GRCh38, 1-based): chr11:68,438,532, A>T. VCF-style: chr11-68438532-A-T. GRCh37 (hg19) VCF-style: chr11-68206000-A-T.
Other names: c.2455A>T, p.Met819Leu (NM_001291902.2); short protein forms M819L, M1400L.
Identifiers: ClinVar variation 2009503 (VCV002009503.4), dbSNP rs2496900241, ClinGen allele CA381614992.